The following is an entry in ClinVar:

ClinVar aggregate classification (germline): Likely pathogenic. Review status: criteria provided, single submitter (1 of 4 stars). 2 submissions from 2 submitters: Likely pathogenic (1). 1 of the submissions does not count toward it. Last evaluated 2025-12-02.

Conditions:
Retinitis pigmentosa with or without extraocular features.
RETINITIS PIGMENTOSA 108 (RP108). Identifiers: MedGen CN382137, OMIM 621637.

gnomAD v4.1: 20 of 1,612,776 alleles (0.0012%); highest among the groups gnomAD compares: South Asian, 0.0022%; 1 homozygote.

Submissions (2):

Ophthalmic Genetics Group, Institute of Molecular and Clinical Ophthalmology Basel
Classification: Likely pathogenic for Retinitis pigmentosa with or without extraocular features. Last evaluated: 2025-12-02. Review status: criteria provided, single submitter. Criteria: ACMG Guidelines, 2015. Collection method: research. Allele origin: germline. Affected: yes. Observed: 1 variant allele.
Comment: This stopgain change introduces a premature termination codon at amino acid position 350, and likely results in nonsense-mediated mRNA decay. This variant was present in a homozygous individual from gnomAD v4.1, who was absent from gnomAD v2.1, likely because the latest version of the database may contain genomes from individuals with Mendelian conditions. This variant was classified as Likely pathogenic based on ACMG criteria: PVS1, PM2_sup.

OMIM
Classification: Pathogenic for RETINITIS PIGMENTOSA 108. Last evaluated: 2026-06-29. Review status: no assertion criteria provided. Collection method: literature only. Allele origin: germline. Not counted in ClinVar's aggregate classification.

Literature cited by the submitters: PubMed 41742423 (cited by Ophthalmic Genetics Group, Institute of Molecular and Clinical Ophthalmology Basel and OMIM).

NM_001354969.2(SAXO6):c.1048C>T (p.Arg350Ter)

Gene: SAXO6 (stabilizer of axonemal microtubules 6; minus strand). Cytogenetic location: 12q15.
Variant type: single nucleotide variant.
Coding change: c.1048C>T on transcript NM_001354969.2 (MANE Select); coding-DNA position 1048, C replaced by T.
Protein change: p.Arg350Ter; replaces arginine 350 with a stop codon.
Molecular consequence: nonsense.
Genome position (GRCh38, 1-based): chr12:68,316,241, G>A on the plus strand (C>T on the coding strand, the complement: SAXO6 is on the minus strand). VCF-style: chr12-68316241-G-A. GRCh37 (hg19) VCF-style: chr12-68710021-G-A.
Other names: NC_000012.12:g.68316241G>A I NP_001341898.1:p.(Arg350Ter); c.913C>T, p.Arg305Ter (NM_001205028.3); c.898C>T, p.Arg300Ter (NM_001354970.2); c.208C>T, p.Arg70Ter (NM_001354971.2, NM_001354972.2, NM_001354973.2 and 1 more transcripts); c.178C>T, p.Arg60Ter (NM_001354974.2); c.1018C>T, p.Arg340Ter (NM_017440.6); short protein forms R300*, R305*, R340*, R350*, R60*, R70*.
Identifiers: ClinVar variation 4813671 (VCV004813671.2).